The following is an entry in ClinVar:

NM_130837.3(OPA1):c.661G>A (p.Asp221Asn)

Genes: OPA1 (OPA1 mitochondrial dynamin like GTPase; plus strand), OPA1-AS1 (OPA1 antisense RNA 1; minus strand). Cytogenetic location: 3q29.
Variant type: single nucleotide variant.
Coding change: c.661G>A on transcript NM_130837.3 (MANE Select); coding-DNA position 661, G replaced by A.
Protein change: p.Asp221Asn; replaces aspartic acid 221 with asparagine.
Molecular consequence: missense variant.
Genome position (GRCh38, 1-based): chr3:193,618,919, G>A. VCF-style: chr3-193618919-G-A. GRCh37 (hg19) VCF-style: chr3-193336708-G-A.
Other names: c.127G>A, p.Asp43Asn (NM_001354663.2); c.235G>A, p.Asp79Asn (NM_001354664.2); c.607G>A, p.Asp203Asn (NM_015560.3, NM_130836.3); c.499G>A, p.Asp167Asn (NM_130831.3, NM_130833.3); c.553G>A, p.Asp185Asn (NM_130832.3, NM_130835.3); c.661G>A, p.Asp221Asn (NM_130834.3); short protein forms D167N, D185N, D203N, D221N, D43N, D79N.
Identifiers: ClinVar variation 1695559 (VCV001695559.7), dbSNP rs367814426, ClinGen allele CA90570681.

ClinVar aggregate classification (germline): Conflicting classifications of pathogenicity. Review status: criteria provided, conflicting classifications (1 of 4 stars). 2 submissions from 2 submitters: Uncertain significance (1); Likely benign (1). Last evaluated 2025-10-27.

Allele frequency attached by ClinVar (database versions not stated): gnomAD exomes below 0.00001; TOPMed below 0.00001; gnomAD 0.00001; ESP Exome Variant Server 0.00008.
gnomAD v4.1: 4 of 1,613,594 alleles (0.00025%); highest among the groups gnomAD compares: African/African-American, 0.0053%; no homozygotes.

Submissions (2):

Labcorp Genetics (formerly Invitae), Labcorp
Classification: Likely benign. Last evaluated: 2025-10-27. Review status: criteria provided, single submitter. Criteria: Invitae Variant Classification Sherloc (09022015). Collection method: clinical testing. Allele origin: germline.

GeneDx
Classification: Uncertain significance. Last evaluated: 2022-01-10. Review status: criteria provided, single submitter. Criteria: GeneDx Variant Classification Process June 2021. Collection method: clinical testing. Allele origin: germline. Affected: yes.
Comment: Has not been previously published as pathogenic or benign to our knowledge; Not observed at significant frequency in large population cohorts (gnomAD); In silico analysis supports that this missense variant has a deleterious effect on protein structure/function